The following is an entry in ClinVar:

ClinVar aggregate classification (germline): Likely pathogenic. Review status: criteria provided, single submitter (1 of 4 stars). 2 submissions from 2 submitters: Likely pathogenic (1). 1 of the submissions does not count toward it. Last evaluated 2025-05-01.

Conditions:
NEURODEVELOPMENTAL DISORDER WITH OR WITHOUT MACROCEPHALY (NEDMAC). Identifiers: MedGen CN382567, OMIM 301174.
Neurodevelopmental disorder. Identifiers: MedGen C1535926, MeSH D065886, MONDO:0700092.

gnomAD v4.1: 1 of 1,195,761 alleles (0.000084%); no homozygotes.

Submissions (2):

Developmental Brain Disorders Lab, Seattle Children's Hospital
Classification: Likely pathogenic for Neurodevelopmental disorder. Last evaluated: 2025-05-01. Review status: criteria provided, single submitter. Criteria: ACMG Guidelines, 2015. Collection method: research. Allele origin: maternal. Affected: yes.
Comment: This variant is a nonsense variant in a gene where loss of function is a proposed mechanism of disease. It is present in only a single individualin the heterozygous form in a female, no hemizygotes, in gnomAD v4.1.0. It meets ACMG variant classification criteria (PVS1, PM2) (PMID:25741868).

OMIM
Classification: Pathogenic for NEURODEVELOPMENTAL DISORDER WITH MACROCEPHALY. Last evaluated: 2026-11-10. Review status: no assertion criteria provided. Collection method: literature only. Allele origin: germline. Not counted in ClinVar's aggregate classification.

Literature cited by the submitters: PubMed 41213919 (cited by OMIM); Hamosh, A. Personal Communication. 2026. Baltimore, Md. (cited by OMIM).

NM_001282874.2(SMARCA1):c.271C>T (p.Arg91Ter)

Gene: SMARCA1 (SNF2 related chromatin remodeling ATPase 1; minus strand). Cytogenetic location: Xq26.1.
Variant type: single nucleotide variant.
Coding change: c.271C>T on transcript NM_001282874.2 (MANE Select); coding-DNA position 271, C replaced by T.
Protein change: p.Arg91Ter; replaces arginine 91 with a stop codon.
Molecular consequence: nonsense.
Genome position (GRCh38, 1-based): chrX:129,516,488, G>A on the plus strand (C>T on the coding strand, the complement: SMARCA1 is on the minus strand). VCF-style: chrX-129516488-G-A. GRCh37 (hg19) VCF-style: chrX-128650465-G-A.
Other names: c.271C>T, p.Arg91Ter (NM_001282875.2, NM_001378261.1, NM_001378262.1 and 3 more transcripts); short protein forms R91*.
Identifiers: ClinVar variation 3901122 (VCV003901122.2).